The following is an entry in ClinVar:

ClinVar aggregate classification (germline): Conflicting classifications of pathogenicity. Review status: criteria provided, conflicting classifications (1 of 4 stars). 2 submissions from 2 submitters: Uncertain significance (1); Likely benign (1). Last evaluated 2023-09-25.

Conditions:
Hypertrophic cardiomyopathy. Also called: HYPERTROPHIC MYOCARDIOPATHY. Identifiers: Orphanet 217569, MedGen C0007194, MeSH D002312, MONDO:0005045, HP:0001639.

gnomAD v4.1: 4 of 1,599,526 alleles (0.00025%); highest among the groups gnomAD compares: Admixed American, 0.0017%; no homozygotes.

Submissions (2):

Labcorp Genetics (formerly Invitae), Labcorp
Classification: Likely benign for Hypertrophic cardiomyopathy. Last evaluated: 2023-09-25. Review status: criteria provided, single submitter. Criteria: Invitae Variant Classification Sherloc (09022015). Collection method: clinical testing. Allele origin: germline.

All of Us Research Program, National Institutes of Health
Classification: Uncertain significance for Hypertrophic cardiomyopathy. Last evaluated: 2023-06-28. Review status: criteria provided, single submitter. Criteria: ACMG Guidelines, 2015. Collection method: clinical testing. Allele origin: germline. Inheritance: Autosomal dominant inheritance. Observed: 2 variant alleles, 2 heterozygotes.
Comment: This variant is located in the MYBPC3 protein. To our knowledge, functional studies have not been reported for this variant. This variant has not been reported in individuals affected with MYBPC3-related disorders in the literature. This variant has been identified in 1/221444 chromosomes in the general population by the Genome Aggregation Database (gnomAD). The available evidence is insufficient to determine the role of this variant in disease conclusively. Therefore, this variant is classified as a Variant of Uncertain Significance.

This study involves interpretation of variants in research participants for the purpose of population health screening. Participant phenotype was not available at the time of variant classification. Additional details can be found in publication PMID: 35346344, PMCID: PMC8962531

NM_000256.3(MYBPC3):c.3303A>G (p.Thr1101=)

Gene: MYBPC3 (myosin binding protein C3; minus strand). Cytogenetic location: 11p11.2.
Variant type: single nucleotide variant.
Coding change: c.3303A>G on transcript NM_000256.3 (MANE Select); coding-DNA position 3303, A replaced by G.
Protein change: p.Thr1101=; no amino-acid change (threonine 1101 retained).
Molecular consequence: synonymous variant.
Genome position (GRCh38, 1-based): chr11:47,333,221, T>C on the plus strand (A>G on the coding strand, the complement: MYBPC3 is on the minus strand). VCF-style: chr11-47333221-T-C. GRCh37 (hg19) VCF-style: chr11-47354772-T-C.
Identifiers: ClinVar variation 1943395 (VCV001943395.6), dbSNP rs748263197, ClinGen allele CA079278.
Genomic context (GRCh38, chr11:47,333,221, plus strand): 5'-GGTGCACGTGGGGACCCCAGACCCTGGGCTCACCATGGTCTTCTTGTCGGCTTTCTGCAC[T>C]GTGTACCCCCAGAGCTCCGTGTTGCCGACATCCTGGGGTGGCTTCCACTCCAGAGCCACA-3'
Protein context (NP_000247.2, residues 1091-1111): DVGNTELWGY[Thr1101=]VQKADKKTME